The following is an entry in ClinVar:

ClinVar aggregate classification (germline): Likely pathogenic (1 of 4 stars; one submission).

Conditions:
Developmental and epileptic encephalopathy, 7 (DEE7). Also called: KCNQ2-Related Neonatal-Onset Developmental and Epileptic Encephalopathy (NEO-DEE); Early infantile epileptic encephalopathy 7; KCNQ2-Related Neonatal Epileptic Encephalopathy. Identifiers: Orphanet 439218, MedGen C3150986, MONDO:0013387, OMIM 613720.

Submission:

MGZ Medical Genetics Center
Classification: Likely pathogenic for Developmental and epileptic encephalopathy, 7. Last evaluated: 2022-02-21. Review status: criteria provided, single submitter. Criteria: ACMG Guidelines, 2015. Collection method: clinical testing. Allele origin: germline. Affected: yes. Observed: 1 variant allele.
Comment: ACMG criteria applied: PS3, PM2_SUP, PP1

NM_172107.4(KCNQ2):c.1632-6C>A

Gene: KCNQ2 (potassium voltage-gated channel subfamily Q member 2; minus strand). Cytogenetic location: 20q13.33.
Variant type: single nucleotide variant.
Coding change: c.1632-6C>A on transcript NM_172107.4 (MANE Select); 6 bases into the intron before coding-DNA position 1632, C replaced by A.
Molecular consequence: intron variant.
Genome position (GRCh38, 1-based): chr20:63,413,587, G>T on the plus strand (C>A on the coding strand, the complement: KCNQ2 is on the minus strand). VCF-style: chr20-63413587-G-T. GRCh37 (hg19) VCF-style: chr20-62044940-G-T.
Other names: c.1548-6C>A (NM_004518.6); c.1539-6C>A (NM_172108.5); c.1578-6C>A (NM_172106.3, NM_001382235.1).
Identifiers: ClinVar variation 1709128 (VCV001709128.2), dbSNP rs570940951, ClinGen allele CA2580098471.